The following is an entry in ClinVar:

NM_001303256.3(MORC2):c.3028G>C (p.Glu1010Gln)

Gene: MORC2 (MORC family CW-type zinc finger 2; minus strand). Cytogenetic location: 22q12.2.
Variant type: single nucleotide variant.
Coding change: c.3028G>C on transcript NM_001303256.3 (MANE Select); coding-DNA position 3028, G replaced by C.
Protein change: p.Glu1010Gln; replaces glutamic acid 1010 with glutamine.
Molecular consequence: missense variant. On other transcripts: intron variant (1).
Genome position (GRCh38, 1-based): chr22:30,928,021, C>G on the plus strand (G>C on the coding strand, the complement: MORC2 is on the minus strand). VCF-style: chr22-30928021-C-G. GRCh37 (hg19) VCF-style: chr22-31324008-C-G.
Other names: c.2842G>C, p.Glu948Gln (NM_014941.3); c.3021+7G>C (NM_001303257.2); short protein forms E1010Q, E948Q.
Identifiers: ClinVar variation 1040910 (VCV001040910.9), dbSNP rs1202036526, ClinGen allele CA411229496.
Genomic context (GRCh38, chr22:30,928,021, plus strand): 5'-GCCCCCCTCCCTGAGAGACCAGGTGGTCCAGCTGCAACAGGAAGGCTGCCGGGCTCACCT[C>G]CTGCACCTTTTGCAGGAGTGCCACGATGTTGGTCCTCAGCTTCTGCAGCTTCTCCTCCGT-3'
Protein context (NP_001290185.1, residues 1000-1020): NIVALLQKVQ[Glu1010Gln]DIDINTDDEL

ClinVar aggregate classification (germline): Uncertain significance (1 of 4 stars; one submission).

Conditions:
Charcot-Marie-Tooth disease axonal type 2Z. Also called: CHARCOT-MARIE-TOOTH DISEASE, AXONAL, AUTOSOMAL DOMINANT, TYPE 2Z; CHARCOT-MARIE-TOOTH NEUROPATHY, TYPE 2Z. Identifiers: Orphanet 466768, MedGen C5569025, MONDO:0014736, OMIM 616688.

Allele frequency attached by ClinVar (database versions not stated): gnomAD exomes below 0.00001; gnomAD 0.00001; TOPMed 0.00001.
gnomAD v4.1: 3 of 1,613,068 alleles (0.00019%); highest among the groups gnomAD compares: Non-Finnish European, 0.00025%; no homozygotes.

Submission:

Labcorp Genetics (formerly Invitae), Labcorp
Classification: Uncertain significance for Charcot-Marie-Tooth disease axonal type 2Z. Last evaluated: 2023-03-07. Review status: criteria provided, single submitter. Criteria: Invitae Variant Classification Sherloc (09022015). Collection method: clinical testing. Allele origin: germline.
Comment: This sequence change replaces glutamic acid, which is acidic and polar, with glutamine, which is neutral and polar, at codon 1010 of the MORC2 protein (p.Glu1010Gln). This variant is present in population databases (no rsID available, gnomAD 0.007%). This variant has not been reported in the literature in individuals affected with MORC2-related conditions. ClinVar contains an entry for this variant (Variation ID: 1040910). An algorithm developed to predict the effect of missense changes on protein structure and function (PolyPhen-2) suggests that this variant is likely to be tolerated. Algorithms developed to predict the effect of sequence changes on RNA splicing suggest that this variant may disrupt the consensus splice site. In summary, the available evidence is currently insufficient to determine the role of this variant in disease. Therefore, it has been classified as a Variant of Uncertain Significance.